The following is an entry in ClinVar:

NC_000003.12:g.(?_55470092)_(55486985_?)dup

Gene: WNT5A (Wnt family member 5A; minus strand). Cytogenetic location: 3p14.3.
Variant type: Duplication.
Identifiers: ClinVar variation 833011 (VCV000833011.7).

ClinVar aggregate classification (germline): Uncertain significance (1 of 4 stars; one submission).

Submission:

Labcorp Genetics (formerly Invitae), Labcorp
Classification: Uncertain significance. Last evaluated: 2022-11-11. Review status: criteria provided, single submitter. Criteria: Invitae Variant Classification Sherloc (09022015). Collection method: clinical testing. Allele origin: germline.
Comment: This variant has not been reported in the literature in individuals affected with WNT5A-related conditions. A copy number gain of the genomic region encompassing the full coding sequence of the WNT5A gene has been identified. The boundaries of this event are unknown as they extend beyond the assayed region for this gene and therefore may encompass additional genes. As the precise location of this event is unknown, it may be in tandem or it may be located elsewhere in the genome. In summary, the available evidence is currently insufficient to determine the role of this variant in disease. Therefore, it has been classified as a Variant of Uncertain Significance.